The following is an entry in ClinVar:

NC_000002.12:g.(?_219418453)_(219426000_?)del

Gene: DES (desmin; plus strand). Cytogenetic location: 2q35.
Variant type: Deletion.
Identifiers: ClinVar variation 831683 (VCV000831683.1).

ClinVar aggregate classification (germline): Pathogenic (1 of 4 stars; one submission).

Conditions:
Desmin-related myofibrillar myopathy (MFM1). Also called: Desminopathy; MYOFIBRILLAR MYOPATHY WITH ARRHYTHMOGENIC RIGHT VENTRICULAR CARDIOMYOPATHY; DESMIN-RELATED MYOPATHY WITH ARRHYTHMOGENIC RIGHT VENTRICULAR CARDIOMYOPATHY; Desmin related myopathy (former name); Desmin storage myopathy (former name); Myofibrillar myopathy 1. Identifiers: Orphanet 363543, Orphanet 98909, MedGen C1832370, MONDO:0011076, OMIM 601419.

Submission:

Labcorp Genetics (formerly Invitae), Labcorp
Classification: Pathogenic for Muscular dystrophy, limb-girdle, type 2R; Myofibrillar myopathy 1. Last evaluated: 2019-02-06. Review status: criteria provided, single submitter. Criteria: Invitae Variant Classification Sherloc (09022015). Collection method: clinical testing. Allele origin: germline.
Comment: A gross deletion of the genomic region encompassing the full coding sequence of the DES gene has been identified. The boundaries of this event are unknown as the deletion extends beyond the assayed region for this gene and therefore may encompass additional genes. This variant has not been reported in the literature in individuals with DES-related conditions. Loss-of-function variants in DES are known to be pathogenic (PMID: 23575897). For these reasons, this variant has been classified as Pathogenic.